The following is an entry in ClinVar:

ClinVar aggregate classification (germline): Pathogenic/Likely pathogenic. Review status: criteria provided, multiple submitters, no conflicts (2 of 4 stars). 6 submissions from 5 submitters: Pathogenic (2); Likely pathogenic (3). 1 of the submissions does not count toward it. Last evaluated 2024-12-02.

Conditions:
Usher syndrome type 2A. Also called: USHER SYNDROME, TYPE IIA; RETINAL DISEASE IN USHER SYNDROME TYPE IIA, MODIFIER OF. Identifiers: Orphanet 231178, Orphanet 886, MedGen C1848634, MONDO:0010169, OMIM 276901.
Retinitis pigmentosa 39 (RP39). Identifiers: Orphanet 791, MedGen C3151138, MONDO:0013436, OMIM 613809.
USH2A-related disorder. Also called: USH2A-related disorders; USH2A-related condition. Identifiers: MedGen CN239332.

Allele frequency attached by ClinVar (database versions not stated): gnomAD exomes below 0.00001.

Submissions (6):

PreventionGenetics, part of Exact Sciences
Classification: Pathogenic for USH2A-related condition. Last evaluated: 2024-12-02. Review status: criteria provided, single submitter. Criteria: ACMG Guidelines, 2015. Collection method: clinical testing. Allele origin: germline.
Comment: The USH2A c.14402_14403delAC variant is predicted to result in a frameshift and premature protein termination (p.Tyr4801Phefs*20). This variant has been reported in individuals with retinal disease (Table S1, Karali et al. 2022. PubMed ID: 36460718; Table S4, Panneman et al. 2023. PubMed ID: 36819107). This variant is present in 0.00088% of alleles in individuals of European (Non-Finnish) descent in gnomAD. Frameshift variants in USH2A are an established mechanism of disease. This variant is interpreted as pathogenic.

Labcorp Genetics (formerly Invitae), Labcorp
Classification: Pathogenic. Last evaluated: 2023-11-19. Review status: criteria provided, single submitter. Criteria: Invitae Variant Classification Sherloc (09022015). Collection method: clinical testing. Allele origin: germline.
Comment: This sequence change creates a premature translational stop signal (p.Tyr4801Phefs*20) in the USH2A gene. It is expected to result in an absent or disrupted protein product. Loss-of-function variants in USH2A are known to be pathogenic (PMID: 10729113, 10909849, 20507924, 25649381). This variant is present in population databases (no rsID available, gnomAD 0.0009%). This variant has not been reported in the literature in individuals affected with USH2A-related conditions. ClinVar contains an entry for this variant (Variation ID: 556553). For these reasons, this variant has been classified as Pathogenic.

Genome-Nilou Lab
Classification: Likely pathogenic for Retinitis pigmentosa 39. Last evaluated: 2023-11-04. Review status: criteria provided, single submitter. Criteria: ACMG Guidelines, 2015. Collection method: clinical testing. Allele origin: germline. Affected: no.

Genome-Nilou Lab
Classification: Likely pathogenic for Usher syndrome type 2A. Last evaluated: 2023-11-04. Review status: criteria provided, single submitter. Criteria: ACMG Guidelines, 2015. Collection method: clinical testing. Allele origin: germline. Affected: no.

Baylor Genetics
Classification: Likely pathogenic for Retinitis pigmentosa 39. Last evaluated: 2023-10-12. Review status: criteria provided, single submitter. Criteria: ACMG Guidelines, 2015. Collection method: clinical testing. Allele origin: unknown.

Counsyl
Classification: Likely pathogenic for Usher syndrome type 2A; Retinitis pigmentosa 39. Last evaluated: 2018-02-06. Review status: no assertion criteria provided. Collection method: clinical testing. Allele origin: unknown. Not counted in ClinVar's aggregate classification.

Literature cited by the submitters: PubMed 10729113 (cited by Labcorp Genetics (formerly Invitae), Labcorp); PubMed 10909849 (cited by Labcorp Genetics (formerly Invitae), Labcorp); PubMed 20507924 (cited by Labcorp Genetics (formerly Invitae), Labcorp); PubMed 25649381 (cited by Labcorp Genetics (formerly Invitae), Labcorp).

NM_206933.4(USH2A):c.14402_14403del (p.Tyr4801fs)

Gene: USH2A (usherin; minus strand). Cytogenetic location: 1q41.
Variant type: Deletion.
Coding change: c.14402_14403del on transcript NM_206933.4 (MANE Select); coding-DNA positions 14402 to 14403, 2 bases deleted (AC; older notation c.14402_14403delAC).
Protein change: p.Tyr4801fs; shifts the reading frame from tyrosine 4801.
Molecular consequence: frameshift variant.
Genome position (GRCh38, 1-based): chr1:215,648,707-215,648,708, GT deleted on the plus strand (AC on the coding strand, the reverse complement: USH2A is on the minus strand). VCF-style (leftmost placement, unchanged base first): chr1-215648706-AGT-A. GRCh37 (hg19) VCF-style: chr1-215822048-AGT-A.
Other names: short protein forms Y4801fs.
Identifiers: ClinVar variation 556553 (VCV000556553.10), dbSNP rs1553250192, ClinGen allele CA529002037.
Genomic context (GRCh38, chr1:215,648,706, plus strand): 5'-GTTCAGCTGTCGGTCCTTTGCTGCAACAGTTGAAGCAGGTGCAGGCCTCTACTCCAATAG[AGT>A]AGTTAGTGAAGGCTTGAAGGCCATGGAGAGTCTGCTGGGTGGCCATGCCTTCGGATAGCT-3'